The following is an entry in ClinVar:

ClinVar aggregate classification (germline): Benign/Likely benign. Review status: criteria provided, multiple submitters, no conflicts (2 of 4 stars). 6 submissions from 6 submitters: Benign (3); Likely benign (2). 1 of the submissions does not count toward it. Last evaluated 2026-03-01.

Conditions:
COL4A2-related disorder. Also called: COL4A2-related disorders; COL4A2-related condition.
Brain small vessel disease 2A, autosomal dominant. Also called: Porencephaly 2. Identifiers: Orphanet 2940, Orphanet 99810, MedGen C3280970, MONDO:0013773, OMIM 614483.

Allele frequency attached by ClinVar (database versions not stated): 1000 Genomes Project 30x 0.00062; 1000 Genomes Project 0.00080; TOPMed 0.00200; ESP Exome Variant Server 0.00233; gnomAD 0.00335 and 0.00356; gnomAD exomes 0.00405; ExAC 0.00429.
gnomAD v4.1: 5,267 of 1,612,214 alleles (0.33%); highest among the groups gnomAD compares: Non-Finnish European, 0.32%; 17 homozygotes.

Submissions (6):

CeGaT Center for Human Genetics Tuebingen
Classification: Likely benign. Last evaluated: 2026-03-01. Review status: criteria provided, single submitter. Criteria: CeGaT Center For Human Genetics Tuebingen Variant Classification Criteria Version 2. Collection method: clinical testing. Allele origin: germline. Affected: yes. Observed: 12 variant alleles.
Comment: COL4A2: BP4, BS1

Labcorp Genetics (formerly Invitae), Labcorp
Classification: Benign. Last evaluated: 2026-01-09. Review status: criteria provided, single submitter. Criteria: Invitae Variant Classification Sherloc (09022015). Collection method: clinical testing. Allele origin: germline.

Blueprint Genetics
Classification: Likely benign. Last evaluated: 2024-11-26. Review status: criteria provided, single submitter. Criteria: ACMG Guidelines, 2015. Collection method: clinical testing. Allele origin: germline.

Illumina Laboratory Services, Illumina
Classification: Benign for Brain small vessel disease 2A, autosomal dominant. Last evaluated: 2018-01-13. Review status: criteria provided, single submitter. Criteria: ICSL Variant Classification Criteria 13 December 2019. Collection method: clinical testing. Allele origin: germline.
Comment: This variant was observed in the ICSL laboratory as part of a predisposition screen in an ostensibly healthy population. It had not been previously curated by ICSL or reported in the Human Gene Mutation Database (HGMD: prior to June 1st, 2018), and was therefore a candidate for classification through an automated scoring system. Utilizing variant allele frequency, disease prevalence and penetrance estimates, and inheritance mode, an automated score was calculated to assess if this variant is too frequent to cause the disease. Based on the score and internal cut-off values, a variant classified as benign is not then subjected to further curation. The score for this variant resulted in a classification of benign for this disease.

Breakthrough Genomics
Classification: Benign. Review status: criteria provided, single submitter. Criteria: ACMG Guidelines, 2015. Collection method: not provided. Allele origin: germline. Inheritance: Autosomal dominant inheritance. Affected: yes.

PreventionGenetics, part of Exact Sciences
Classification: Benign for COL4A2-related condition. Last evaluated: 2024-05-01. Review status: no assertion criteria provided. Collection method: clinical testing. Allele origin: germline. Not counted in ClinVar's aggregate classification.
Comment: This variant is classified as benign based on ACMG/AMP sequence variant interpretation guidelines (Richards et al. 2015 PMID: 25741868, with internal and published modifications).

NM_001846.4(COL4A2):c.3326G>A (p.Arg1109Gln)

Gene: COL4A2 (collagen type IV alpha 2 chain; plus strand). Cytogenetic location: 13q34.
Variant type: single nucleotide variant.
Coding change: c.3326G>A on transcript NM_001846.4 (MANE Select); coding-DNA position 3326, G replaced by A.
Protein change: p.Arg1109Gln; replaces arginine 1109 with glutamine.
Molecular consequence: missense variant.
Genome position (GRCh38, 1-based): chr13:110,489,765, G>A. VCF-style: chr13-110489765-G-A. GRCh37 (hg19) VCF-style: chr13-111142112-G-A.
Other names: short protein forms R1109Q.
Identifiers: ClinVar variation 311158 (VCV000311158.48), dbSNP rs184812559, ClinGen allele CA7050170.